The following is an entry in ClinVar:

NM_002439.5(MSH3):c.751G>T (p.Glu251Ter)

Gene: MSH3 (mutS homolog 3; plus strand). Cytogenetic location: 5q14.1.
Variant type: single nucleotide variant.
Coding change: c.751G>T on transcript NM_002439.5 (MANE Select); coding-DNA position 751, G replaced by T.
Protein change: p.Glu251Ter; replaces glutamic acid 251 with a stop codon.
Molecular consequence: nonsense.
Genome position (GRCh38, 1-based): chr5:80,670,268, G>T. VCF-style: chr5-80670268-G-T. GRCh37 (hg19) VCF-style: chr5-79966087-G-T.
Other names: short protein forms E251*.
Identifiers: ClinVar variation 2673548 (VCV002673548.1), dbSNP rs1362962336, ClinGen allele CA360266939.

ClinVar aggregate classification (germline): Pathogenic (1 of 4 stars; one submission).

Conditions:
Familial adenomatous polyposis 4 (FAP4). Also called: MSH3-related attenuated familial adenomatous polyposis. Identifiers: Orphanet 480536, MedGen C4310719, MONDO:0044300, OMIM 617100.

Submission:

Myriad Genetics, Inc.
Classification: Pathogenic for Familial adenomatous polyposis 4. Last evaluated: 2023-08-29. Review status: criteria provided, single submitter. Criteria: Myriad Autosomal Dominant, Autosomal Recessive and X-Linked Classification Criteria (2023). Collection method: clinical testing. Allele origin: unknown.
Comment: This variant is considered pathogenic. This variant creates a termination codon and is predicted to result in premature protein truncation.